The following is an entry in ClinVar:

ClinVar aggregate classification (germline): Benign/Likely benign. Review status: criteria provided, multiple submitters, no conflicts (2 of 4 stars). 6 submissions from 6 submitters: Benign (2); Likely benign (4). Last evaluated 2026-01-29.

Conditions:
Arterial tortuosity syndrome (ATORS). Identifiers: Orphanet 3342, MedGen C1859726, MONDO:0008818, OMIM 208050.
Familial thoracic aortic aneurysm and aortic dissection (TAAD). Also called: Thoracic aortic aneurysms and dissections. Identifiers: Orphanet 91387, MedGen C4707243, MONDO:0019625.

Allele frequency attached by ClinVar (database versions not stated): gnomAD exomes 0.00011 and 0.00034; gnomAD 0.00019 and 0.00023; TOPMed 0.00025; ExAC 0.00026; 1000 Genomes Project 0.00120; 1000 Genomes Project 30x 0.00125.

Submissions (6):

Labcorp Genetics (formerly Invitae), Labcorp
Classification: Likely benign for Arterial tortuosity syndrome. Last evaluated: 2026-01-29. Review status: criteria provided, single submitter. Criteria: Invitae Variant Classification Sherloc (09022015). Collection method: clinical testing. Allele origin: germline.

Blueprint Genetics
Classification: Likely benign. Last evaluated: 2024-09-17. Review status: criteria provided, single submitter. Criteria: ACMG Guidelines, 2015. Collection method: clinical testing. Allele origin: germline.

CeGaT Center for Human Genetics Tuebingen
Classification: Likely benign. Last evaluated: 2023-03-01. Review status: criteria provided, single submitter. Criteria: CeGaT Center For Human Genetics Tuebingen Variant Classification Criteria Version 2. Collection method: clinical testing. Allele origin: germline. Affected: yes. Observed: 1 variant allele.
Comment: SLC2A10: BP4, BP7

CHEO Genetics Diagnostic Laboratory, Children's Hospital of Eastern Ontario
Classification: Benign for Familial thoracic aortic aneurysm and aortic dissection. Last evaluated: 2023-02-09. Review status: criteria provided, single submitter. Criteria: ACMG Guidelines, 2015. Collection method: clinical testing. Allele origin: germline.

Ambry Genetics
Classification: Likely benign for Familial thoracic aortic aneurysm and aortic dissection. Last evaluated: 2017-05-05. Review status: criteria provided, single submitter. Criteria: Ambry Variant Classification Scheme 2023. Collection method: clinical testing. Allele origin: germline.

GeneDx
Classification: Benign. Last evaluated: 2016-11-17. Review status: criteria provided, single submitter. Criteria: GeneDx Variant Classification (06012015). Collection method: clinical testing. Allele origin: germline. Affected: yes.
Comment: This variant is considered likely benign or benign based on one or more of the following criteria: it is a conservative change, it occurs at a poorly conserved position in the protein, it is predicted to be benign by multiple in silico algorithms, and/or has population frequency not consistent with disease.

NM_030777.4(SLC2A10):c.1008C>T (p.Thr336=)

Gene: SLC2A10 (solute carrier family 2 member 10; plus strand). Cytogenetic location: 20q13.12.
Variant type: single nucleotide variant.
Coding change: c.1008C>T on transcript NM_030777.4 (MANE Select); coding-DNA position 1008, C replaced by T.
Protein change: p.Thr336=; no amino-acid change (threonine 336 retained).
Molecular consequence: synonymous variant.
Genome position (GRCh38, 1-based): chr20:46,726,044, C>T. VCF-style: chr20-46726044-C-T. GRCh37 (hg19) VCF-style: chr20-45354683-C-T.
Identifiers: ClinVar variation 379856 (VCV000379856.41), dbSNP rs370173604, ClinGen allele CA9892087.